The following is an entry in ClinVar:

ClinVar aggregate classification (germline): Pathogenic/Likely pathogenic. Review status: criteria provided, multiple submitters, no conflicts (2 of 4 stars). 2 submissions from 2 submitters: Pathogenic (1); Likely pathogenic (1). Last evaluated 2025-10-27.

Conditions:
Galactosemia. Also called: Galactose intolerance. Identifiers: Orphanet 352, MedGen C0016952, MONDO:0018116, HP:0004919. Disease mechanism: loss of function.
Deficiency of UDPglucose-hexose-1-phosphate uridylyltransferase. Also called: GALACTOSE-1-PHOSPHATE URIDYLYLTRANSFERASE DEFICIENCY; GALT deficiency; Galactosemia, classic; Transferase Deficiency Galactosemia; GALACTOSEMIA I. Identifiers: Orphanet 352, Orphanet 79239, MedGen C0268151, MONDO:0009258, OMIM 230400.

Submissions (2):

Natera, Inc.
Classification: Likely pathogenic for Galactosemia. Last evaluated: 2025-10-27. Review status: criteria provided, single submitter. Criteria: Natera Variant Classification Schema (03/2026). Collection method: clinical testing. Allele origin: germline.
Comment: The c.359delA variant in GALT is a frameshift variant predicted to shift the reading frame beginning at codon 120 and leads to a stop codon 18 codons downstream. This variant is expected to result in nonsense mediated decay, truncation, or a dysfunctional protein product. This variant is rare in the general population with a frequency below the threshold expected for the associated phenotype(s). Given the available evidence, this variant is classified as Likely Pathogenic.

Labcorp Genetics (formerly Invitae), Labcorp
Classification: Pathogenic for Deficiency of UDPglucose-hexose-1-phosphate uridylyltransferase. Last evaluated: 2024-05-22. Review status: criteria provided, single submitter. Criteria: Invitae Variant Classification Sherloc (09022015). Collection method: clinical testing. Allele origin: germline.
Comment: This sequence change creates a premature translational stop signal (p.Lys120Serfs*18) in the GALT gene. It is expected to result in an absent or disrupted protein product. Loss-of-function variants in GALT are known to be pathogenic (PMID: 22944367). This variant is not present in population databases (gnomAD no frequency). This variant has not been reported in the literature in individuals affected with GALT-related conditions. ClinVar contains an entry for this variant (Variation ID: 851656). For these reasons, this variant has been classified as Pathogenic.

Literature cited by the submitters: PubMed 22944367 (cited by Labcorp Genetics (formerly Invitae), Labcorp).

NM_000155.4(GALT):c.359del (p.Lys120fs)

Gene: GALT (galactose-1-phosphate uridylyltransferase; plus strand). Cytogenetic location: 9p13.3.
Variant type: Deletion.
Coding change: c.359del on transcript NM_000155.4 (MANE Select); coding-DNA position 359, one base deleted (A; older notation c.359delA).
Protein change: p.Lys120fs; shifts the reading frame from lysine 120.
Molecular consequence: frameshift variant. On other transcripts: intron variant (1).
Genome position (GRCh38, 1-based): chr9:34,647,687, A deleted; the last of 3 consecutive A bases (chr9:34,647,685-34,647,687); deleting any one gives the same sequence. VCF-style (leftmost placement, unchanged base first): chr9-34647684-CA-C. GRCh37 (hg19) VCF-style: chr9-34647681-CA-C.
Other names: c.51-145del (NM_001258332.2); c.359delA (NM_000155.3); short protein forms K120fs.
Identifiers: ClinVar variation 851656 (VCV000851656.9), dbSNP rs1821141007, ClinGen allele CA916083043.
Genomic context (GRCh38, chr9:34,647,684, plus strand): 5'-TCTGCTGCAGAGAGTGATACTCCTTTACCTCAGGACCCAGTGATCATCCCCTTTTCCAAG[CA>C]AAGTCTGCTCGAGGAGTCTGGTAACTATGGATTTCCCCTCTTACAACTTTCAAACCAGAG-3'